The following is an entry in ClinVar:

ClinVar aggregate classification (germline): Uncertain significance (1 of 4 stars; one submission).

Allele frequency attached by ClinVar (database versions not stated): gnomAD exomes below 0.00001.
gnomAD v4.1: 1 of 1,614,068 alleles (0.000062%); highest among the groups gnomAD compares: African/African-American, 0.0013%; no homozygotes.

Submission:

Labcorp Genetics (formerly Invitae), Labcorp
Classification: Uncertain significance. Last evaluated: 2023-05-07. Review status: criteria provided, single submitter. Criteria: Invitae Variant Classification Sherloc (09022015). Collection method: clinical testing. Allele origin: germline.
Comment: This sequence change replaces leucine, which is neutral and non-polar, with phenylalanine, which is neutral and non-polar, at codon 379 of the CLCN6 protein (p.Leu379Phe). This variant is not present in population databases (gnomAD no frequency). This variant has not been reported in the literature in individuals affected with CLCN6-related conditions. An algorithm developed to predict the effect of missense changes on protein structure and function (PolyPhen-2) suggests that this variant is likely to be disruptive. In summary, the available evidence is currently insufficient to determine the role of this variant in disease. Therefore, it has been classified as a Variant of Uncertain Significance.

NM_001286.5(CLCN6):c.1135C>T (p.Leu379Phe)

Gene: CLCN6 (chloride voltage-gated channel 6; plus strand). Cytogenetic location: 1p36.22.
Variant type: single nucleotide variant.
Coding change: c.1135C>T on transcript NM_001286.5 (MANE Select); coding-DNA position 1135, C replaced by T.
Protein change: p.Leu379Phe; replaces leucine 379 with phenylalanine.
Molecular consequence: missense variant. On other transcripts: non-coding transcript variant (1).
Genome position (GRCh38, 1-based): chr1:11,829,209, C>T. VCF-style: chr1-11829209-C-T. GRCh37 (hg19) VCF-style: chr1-11889266-C-T.
Other names: c.1069C>T, p.Leu357Phe (NM_001256959.2); short protein forms L357F, L379F.
Identifiers: ClinVar variation 2898877 (VCV002898877.3), dbSNP rs2523132763, ClinGen allele CA338431031.